The following is an entry in ClinVar:

ClinVar aggregate classification (germline): Uncertain significance (1 of 4 stars; one submission).

Conditions:
Tuberous sclerosis 2 (TSC2). Identifiers: Orphanet 805, MedGen C1860707, MONDO:0013199, OMIM 613254.

Submission:

Labcorp Genetics (formerly Invitae), Labcorp
Classification: Uncertain significance for Tuberous sclerosis 2. Last evaluated: 2022-06-26. Review status: criteria provided, single submitter. Criteria: Invitae Variant Classification Sherloc (09022015). Collection method: clinical testing. Allele origin: germline.
Comment: This sequence change replaces lysine, which is basic and polar, with glutamine, which is neutral and polar, at codon 1491 of the TSC2 protein (p.Lys1491Gln). This variant is not present in population databases (gnomAD no frequency). This variant has not been reported in the literature in individuals affected with TSC2-related conditions. Advanced modeling of protein sequence and biophysical properties (such as structural, functional, and spatial information, amino acid conservation, physicochemical variation, residue mobility, and thermodynamic stability) performed at Invitae indicates that this missense variant is not expected to disrupt TSC2 protein function. In summary, the available evidence is currently insufficient to determine the role of this variant in disease. Therefore, it has been classified as a Variant of Uncertain Significance.

NM_000548.5(TSC2):c.4471A>C (p.Lys1491Gln)

Gene: TSC2 (TSC complex subunit 2; plus strand). Cytogenetic location: 16p13.3.
Variant type: single nucleotide variant.
Coding change: c.4471A>C on transcript NM_000548.5 (MANE Select); coding-DNA position 4471, A replaced by C.
Protein change: p.Lys1491Gln; replaces lysine 1491 with glutamine.
Molecular consequence: missense variant.
Genome position (GRCh38, 1-based): chr16:2,084,693, A>C. VCF-style: chr16-2084693-A-C. GRCh37 (hg19) VCF-style: chr16-2134694-A-C.
Other names: c.4270A>C, p.Lys1424Gln (NM_001077183.3); c.4402A>C, p.Lys1468Gln (NM_001114382.3); c.4162A>C, p.Lys1388Gln (NM_001318827.2); c.4126A>C, p.Lys1376Gln (NM_001318829.2); c.3739A>C, p.Lys1247Gln (NM_001318831.2); c.4303A>C, p.Lys1435Gln (NM_001318832.2); c.4273A>C, p.Lys1425Gln (NM_001363528.2); c.3802A>C, p.Lys1268Gln (NM_001406682.1, NM_001406683.1); and 26 more; short protein forms K1387Q, K1388Q, K1405Q, K1435Q, K977Q, K999Q, K1020Q, K1247Q.
Identifiers: ClinVar variation 2010924 (VCV002010924.4), dbSNP rs2090542726, ClinGen allele CA394302512.